The following is an entry in ClinVar:

NM_024675.4(PALB2):c.1681A>G (p.Lys561Glu)

Gene: PALB2 (partner and localizer of BRCA2; minus strand). Cytogenetic location: 16p12.2.
Variant type: single nucleotide variant.
Coding change: c.1681A>G on transcript NM_024675.4 (MANE Select); coding-DNA position 1681, A replaced by G.
Protein change: p.Lys561Glu; replaces lysine 561 with glutamic acid.
Molecular consequence: missense variant.
Genome position (GRCh38, 1-based): chr16:23,634,865, T>C on the plus strand (A>G on the coding strand, the complement: PALB2 is on the minus strand). VCF-style: chr16-23634865-T-C. GRCh37 (hg19) VCF-style: chr16-23646186-T-C.
Other names: short protein forms K561E.
Identifiers: ClinVar variation 819811 (VCV000819811.5), dbSNP rs1597095176, ClinGen allele CA395129888.

ClinVar aggregate classification (germline): Uncertain significance. Review status: criteria provided, multiple submitters, no conflicts (2 of 4 stars). 2 submissions from 2 submitters: Uncertain significance (2). Last evaluated 2025-05-05.

Conditions:
Hereditary cancer-predisposing syndrome. Also called: Neoplastic Syndromes, Hereditary; Tumor predisposition; Hereditary Cancer Syndrome; Hereditary neoplastic syndrome. Identifiers: Orphanet 140162, MedGen C0027672, MeSH D009386, MONDO:0015356.

Submissions (2):

Color Diagnostics, LLC DBA Color Health
Classification: Uncertain significance for Hereditary cancer-predisposing syndrome. Last evaluated: 2025-05-05. Review status: criteria provided, single submitter. Criteria: ACMG Guidelines, 2015. Collection method: clinical testing. Allele origin: germline.
Comment: This missense variant replaces lysine with glutamic acid at codon 561 of the PALB2 protein. Computational prediction suggests that this variant may not impact protein structure and function. To our knowledge, functional studies have not been reported for this variant. This variant has not been reported in individuals affected with PALB2-related disorders in the literature. This variant has not been identified in the general population by the Genome Aggregation Database (gnomAD). The available evidence is insufficient to determine the role of this variant in disease conclusively. Therefore, this variant is classified as a Variant of Uncertain Significance.

Ambry Genetics
Classification: Uncertain significance for Hereditary cancer-predisposing syndrome. Last evaluated: 2022-08-17. Review status: criteria provided, single submitter. Criteria: Ambry Variant Classification Scheme 2023. Collection method: clinical testing. Allele origin: germline.
Comment: The p.K561E variant (also known as c.1681A>G), located in coding exon 4 of the PALB2 gene, results from an A to G substitution at nucleotide position 1681. The lysine at codon 561 is replaced by glutamic acid, an amino acid with similar properties. This amino acid position is not well conserved in available vertebrate species. In addition, this alteration is predicted to be tolerated by in silico analysis. Since supporting evidence is limited at this time, the clinical significance of this alteration remains unclear.